The following is an entry in ClinVar:

ClinVar aggregate classification (germline): Conflicting classifications of pathogenicity. Review status: criteria provided, conflicting classifications (1 of 4 stars). 2 submissions from 2 submitters: Uncertain significance (1); Likely benign (1). Last evaluated 2024-04-04.

Conditions:
Inborn genetic diseases. Identifiers: MedGen C0950123, MeSH D030342.

Allele frequency attached by ClinVar (database versions not stated): gnomAD 0.00001; TOPMed 0.00001; gnomAD exomes 0.00002.
gnomAD v4.1: 26 of 1,614,072 alleles (0.0016%); highest among the groups gnomAD compares: Non-Finnish European, 0.0021%; no homozygotes.

Submissions (2):

Ambry Genetics
Classification: Uncertain significance for Inborn genetic diseases. Last evaluated: 2024-04-04. Review status: criteria provided, single submitter. Criteria: Ambry Variant Classification Scheme 2023. Collection method: clinical testing. Allele origin: germline.

GeneDx
Classification: Likely benign. Last evaluated: 2019-12-17. Review status: criteria provided, single submitter. Criteria: GeneDx Variant Classification Process June 2021. Collection method: clinical testing. Allele origin: germline. Affected: yes.
Comment: Not observed in large population cohorts (Lek et al., 2016); In silico analysis, which includes splice predictors and evolutionary conservation, supports a deleterious effect; Has not been previously published as pathogenic or benign to our knowledge

NM_015100.4(POGZ):c.3401C>G (p.Thr1134Arg)

Gene: POGZ (pogo transposable element derived with ZNF domain; minus strand). Cytogenetic location: 1q21.3.
Variant type: single nucleotide variant.
Coding change: c.3401C>G on transcript NM_015100.4 (MANE Select); coding-DNA position 3401, C replaced by G.
Protein change: p.Thr1134Arg; replaces threonine 1134 with arginine.
Molecular consequence: missense variant.
Genome position (GRCh38, 1-based): chr1:151,405,634, G>C on the plus strand (C>G on the coding strand, the complement: POGZ is on the minus strand). VCF-style: chr1-151405634-G-C. GRCh37 (hg19) VCF-style: chr1-151378110-G-C.
Other names: c.3374C>G, p.Thr1125Arg (NM_001194937.2); c.3215C>G, p.Thr1072Arg (NM_001194938.2); c.3116C>G, p.Thr1039Arg (NM_145796.4); c.3242C>G, p.Thr1081Arg (NM_207171.2); short protein forms T1039R, T1072R, T1081R, T1125R, T1134R.
Identifiers: ClinVar variation 1197377 (VCV001197377.3), dbSNP rs1027902743, ClinGen allele CA29568922.